The following is an entry in ClinVar:

ClinVar aggregate classification (germline): Uncertain significance (1 of 4 stars; one submission).

Allele frequency attached by ClinVar (database versions not stated): gnomAD 0.00002 and 0.00003; ExAC 0.00003; gnomAD exomes 0.00003 and 0.00004; TOPMed 0.00004.
gnomAD v4.1: 61 of 1,535,544 alleles (0.004%); highest among the groups gnomAD compares: Admixed American, 0.0085%; no homozygotes.

Submission:

Labcorp Genetics (formerly Invitae), Labcorp
Classification: Uncertain significance. Last evaluated: 2022-08-07. Review status: criteria provided, single submitter. Criteria: Invitae Variant Classification Sherloc (09022015). Collection method: clinical testing. Allele origin: germline.
Comment: This sequence change replaces methionine, which is neutral and non-polar, with isoleucine, which is neutral and non-polar, at codon 4779 of the PCLO protein (p.Met4779Ile). This variant is present in population databases (rs746355318, gnomAD 0.009%). This variant has not been reported in the literature in individuals affected with PCLO-related conditions. ClinVar contains an entry for this variant (Variation ID: 1380987). Algorithms developed to predict the effect of missense changes on protein structure and function are either unavailable or do not agree on the potential impact of this missense change (SIFT: "Deleterious"; PolyPhen-2: "Not Available"; Align-GVGD: "Class C0"). Algorithms developed to predict the effect of sequence changes on RNA splicing suggest that this variant may create or strengthen a splice site. In summary, the available evidence is currently insufficient to determine the role of this variant in disease. Therefore, it has been classified as a Variant of Uncertain Significance.

NM_033026.6(PCLO):c.14337G>A (p.Met4779Ile)

Gene: PCLO (piccolo presynaptic cytomatrix protein; minus strand). Cytogenetic location: 7q21.11.
Variant type: single nucleotide variant.
Coding change: c.14337G>A on transcript NM_033026.6 (MANE Select); coding-DNA position 14337, G replaced by A.
Protein change: p.Met4779Ile; replaces methionine 4779 with isoleucine.
Molecular consequence: missense variant.
Genome position (GRCh38, 1-based): chr7:82,827,879, C>T on the plus strand (G>A on the coding strand, the complement: PCLO is on the minus strand). VCF-style: chr7-82827879-C-T. GRCh37 (hg19) VCF-style: chr7-82457195-C-T.
Other names: c.14337G>A, p.Met4779Ile (NM_014510.3); short protein forms M4779I.
Identifiers: ClinVar variation 1380987 (VCV001380987.5), dbSNP rs746355318, ClinGen allele CA4318859.